The following is an entry in ClinVar:

NM_032436.4(CHAMP1):c.1082C>T (p.Pro361Leu)

Gene: CHAMP1 (chromosome alignment maintaining phosphoprotein 1; plus strand). Cytogenetic location: 13q34.
Variant type: single nucleotide variant.
Coding change: c.1082C>T on transcript NM_032436.4 (MANE Select); coding-DNA position 1082, C replaced by T.
Protein change: p.Pro361Leu; replaces proline 361 with leucine.
Molecular consequence: missense variant.
Genome position (GRCh38, 1-based): chr13:114,324,924, C>T. VCF-style: chr13-114324924-C-T. GRCh37 (hg19) VCF-style: chr13-115090399-C-T.
Other names: c.1082C>T, p.Pro361Leu (NM_001164144.3, NM_001164145.3); short protein forms P361L.
Identifiers: ClinVar variation 1702634 (VCV001702634.3), dbSNP rs1555379650, ClinGen allele CA388847734.

ClinVar aggregate classification (germline): Uncertain significance (1 of 4 stars; one submission).

Allele frequency attached by ClinVar (database versions not stated): gnomAD exomes below 0.00001; TOPMed 0.00001.
gnomAD v4.1: 1 of 1,614,132 alleles (0.000062%); highest among the groups gnomAD compares: African/African-American, 0.0013%; no homozygotes.

Submission:

GeneDx
Classification: Uncertain significance. Last evaluated: 2024-06-11. Review status: criteria provided, single submitter. Criteria: GeneDx Variant Classification Process June 2021. Collection method: clinical testing. Allele origin: germline.
Comment: Not observed at significant frequency in large population cohorts (gnomAD); In silico analysis supports that this missense variant has a deleterious effect on protein structure/function; Has not been previously published as pathogenic or benign to our knowledge